The following is an entry in ClinVar:

ClinVar aggregate classification (germline): Pathogenic/Likely pathogenic. Review status: criteria provided, multiple submitters, no conflicts (2 of 4 stars). 3 submissions from 3 submitters: Pathogenic (1); Likely pathogenic (1). 1 of the submissions does not count toward it. Last evaluated 2023-10-11.

Conditions:
ZMPSTE24-related disorder. Also called: ZMPSTE24-related disorders; ZMPSTE24-related condition. Identifiers: MedGen CN239425.
Restrictive dermopathy 1 (RSDM1). Also called: RESTRICTIVE DERMOPATHY 1, LETHAL; FETAL HYPOKINESIA SEQUENCE DUE TO RESTRICTIVE DERMOPATHY; HYPERKERATOSIS-CONTRACTURE SYNDROME. Identifiers: MedGen C5676878, MONDO:0800042, OMIM 275210.

Allele frequency attached by ClinVar (database versions not stated): gnomAD 0.00001; TOPMed 0.00001; ESP Exome Variant Server 0.00008.
gnomAD v4.1: 6 of 1,613,904 alleles (0.00037%); highest among the groups gnomAD compares: African/African-American, 0.0013%; no homozygotes.

Submissions (3):

Blueprint Genetics
Classification: Likely pathogenic for ZMPSTE24-related disorders. Last evaluated: 2023-10-11. Review status: criteria provided, single submitter. Criteria: ACMG Guidelines, 2015. Collection method: clinical testing. Allele origin: germline. Affected: yes. Observed: 1 variant allele.

Juno Genomics, Hangzhou Juno Genomics, Inc
Classification: Pathogenic for Restrictive dermopathy 1. Review status: criteria provided, single submitter. Criteria: ACMG Guidelines, 2015. Collection method: clinical testing. Allele origin: germline.
Comment: Absent from controls (or at extremely low frequency if recessive) in Genome Aggregation Database.;Null variant in a gene where loss of function (LOF) is a known mechanism of disease.;For recessive disorders, detected in trans with a pathogenic variant.

ZMPSTE24 homepage - Leiden Muscular Dystrophy pages
No classification provided. Review status: no classification provided. Collection method: not provided. Allele origin: germline. Not counted in ClinVar's aggregate classification.
Comment: has functional consequence

NM_005857.5(ZMPSTE24):c.826C>T (p.Arg276Ter)

Gene: ZMPSTE24 (zinc metallopeptidase STE24; plus strand). Cytogenetic location: 1p34.2.
Variant type: single nucleotide variant.
Coding change: c.826C>T on transcript NM_005857.5 (MANE Select); coding-DNA position 826, C replaced by T.
Protein change: p.Arg276Ter; replaces arginine 276 with a stop codon.
Molecular consequence: nonsense.
Genome position (GRCh38, 1-based): chr1:40,281,399, C>T. VCF-style: chr1-40281399-C-T. GRCh37 (hg19) VCF-style: chr1-40747071-C-T.
Other names: c.826C>T (LRG_212t1); short protein forms R276*.
Identifiers: ClinVar variation 140541 (VCV000140541.4), dbSNP rs138606746, ClinGen allele CA232767.